The following is an entry in ClinVar:

ClinVar aggregate classification (germline): Uncertain significance (1 of 4 stars; one submission).

Conditions:
Neurodegeneration with brain iron accumulation 5 (NBIA5). Also called: Beta-propeller protein-associated neurodegeneration; STATIC ENCEPHALOPATHY OF CHILDHOOD WITH NEURODEGENERATION IN ADULTHOOD. Identifiers: Orphanet 329284, MedGen C3550973, MONDO:0010476, OMIM 300894.

Allele frequency attached by ClinVar (database versions not stated): gnomAD exomes below 0.00001; gnomAD 0.00003; TOPMed 0.00003.
gnomAD v4.1: 4 of 1,210,608 alleles (0.00033%); highest among the groups gnomAD compares: Admixed American, 0.0087%; no homozygotes.

Submission:

Labcorp Genetics (formerly Invitae), Labcorp
Classification: Uncertain significance for Neurodegeneration with brain iron accumulation 5. Last evaluated: 2025-08-21. Review status: criteria provided, single submitter. Criteria: Invitae Variant Classification Sherloc (09022015). Collection method: clinical testing. Allele origin: germline.
Comment: This sequence change replaces lysine, which is basic and polar, with glutamine, which is neutral and polar, at codon 319 of the WDR45 protein (p.Lys319Gln). This variant is present in population databases (no rsID available, gnomAD 0.004%). This variant has not been reported in the literature in individuals affected with WDR45-related conditions. ClinVar contains an entry for this variant (Variation ID: 2982414). Invitae Evidence Modeling of protein sequence and biophysical properties (such as structural, functional, and spatial information, amino acid conservation, physicochemical variation, residue mobility, and thermodynamic stability) has been performed for this missense variant. However, the output from this modeling did not meet the statistical confidence thresholds required to predict the impact of this variant on WDR45 protein function. In summary, the available evidence is currently insufficient to determine the role of this variant in disease. Therefore, it has been classified as a Variant of Uncertain Significance.

NM_001029896.2(WDR45):c.952A>C (p.Lys318Gln)

Gene: WDR45 (WD repeat domain 45; minus strand). Cytogenetic location: Xp11.23.
Variant type: single nucleotide variant.
Coding change: c.952A>C on transcript NM_001029896.2 (MANE Select); coding-DNA position 952, A replaced by C.
Protein change: p.Lys318Gln; replaces lysine 318 with glutamine.
Molecular consequence: missense variant.
Genome position (GRCh38, 1-based): chrX:49,075,157, T>G on the plus strand (A>C on the coding strand, the complement: WDR45 is on the minus strand). VCF-style: chrX-49075157-T-G. GRCh37 (hg19) VCF-style: chrX-48932816-T-G.
Other names: c.955A>C, p.Lys319Gln (NM_007075.4); short protein forms K319Q, K318Q.
Identifiers: ClinVar variation 2982414 (VCV002982414.3), dbSNP rs1287435083, ClinGen allele CA412941906.